The following is an entry in ClinVar:

NM_001035.3(RYR2):c.3620T>C (p.Leu1207Pro)

Gene: RYR2 (ryanodine receptor 2; plus strand). Cytogenetic location: 1q43.
Variant type: single nucleotide variant.
Coding change: c.3620T>C on transcript NM_001035.3 (MANE Select); coding-DNA position 3620, T replaced by C.
Protein change: p.Leu1207Pro; replaces leucine 1207 with proline.
Molecular consequence: missense variant.
Genome position (GRCh38, 1-based): chr1:237,589,814, T>C. VCF-style: chr1-237589814-T-C. GRCh37 (hg19) VCF-style: chr1-237753114-T-C.
Other names: short protein forms L1207P.
Identifiers: ClinVar variation 1037588 (VCV001037588.48), dbSNP rs1674951536, ClinGen allele CA345396175.

ClinVar aggregate classification (germline): Uncertain significance (1 of 4 stars; one submission).

Conditions:
Catecholaminergic polymorphic ventricular tachycardia 1. Also called: RYR2-Related Catecholaminergic Polymorphic Ventricular Tachycardia; VENTRICULAR TACHYCARDIA, STRESS-INDUCED POLYMORPHIC 1; VENTRICULAR TACHYCARDIA, CATECHOLAMINERGIC POLYMORPHIC, 1, WITH OR WITHOUT ATRIAL DYSFUNCTION AND/OR DILATED CARDIOMYOPATHY. Identifiers: Orphanet 3286, MedGen C1631597, MONDO:0011484, OMIM 604772.

Submission:

Labcorp Genetics (formerly Invitae), Labcorp
Classification: Uncertain significance for Catecholaminergic polymorphic ventricular tachycardia 1. Last evaluated: 2020-02-05. Review status: criteria provided, single submitter. Criteria: Invitae Variant Classification Sherloc (09022015). Collection method: clinical testing. Allele origin: germline.
Comment: This variant has not been reported in the literature in individuals with RYR2-related conditions. This variant is not present in population databases (ExAC no frequency). This sequence change replaces leucine with proline at codon 1207 of the RYR2 protein (p.Leu1207Pro). The leucine residue is highly conserved and there is a moderate physicochemical difference between leucine and proline. Algorithms developed to predict the effect of missense changes on protein structure and function (SIFT, PolyPhen-2, Align-GVGD) all suggest that this variant is likely to be disruptive, but these predictions have not been confirmed by published functional studies and their clinical significance is uncertain. In summary, the available evidence is currently insufficient to determine the role of this variant in disease. Therefore, it has been classified as a Variant of Uncertain Significance.